The following is an entry in ClinVar:

ClinVar aggregate classification (germline): Uncertain significance. Review status: criteria provided, multiple submitters, no conflicts (2 of 4 stars). 2 submissions from 2 submitters: Uncertain significance (2). Last evaluated 2025-06-13.

Conditions:
UBQLN2-related disorder. Also called: UBQLN2-related condition.

Submissions (2):

GeneDx
Classification: Uncertain significance. Last evaluated: 2025-06-13. Review status: criteria provided, single submitter. Criteria: GeneDx Variant Classification Process June 2021. Collection method: clinical testing. Allele origin: germline. Affected: yes.
Comment: Not observed at significant frequency in large population cohorts (gnomAD); In silico analysis supports that this missense variant has a deleterious effect on protein structure/function; Has not been previously published as pathogenic or benign to our knowledge

PreventionGenetics, part of Exact Sciences
Classification: Uncertain significance for UBQLN2-related condition. Last evaluated: 2024-10-09. Review status: criteria provided, single submitter. Criteria: ACMG Guidelines, 2015. Collection method: clinical testing. Allele origin: germline.
Comment: The UBQLN2 c.425C>A variant is predicted to result in the amino acid substitution p.Pro142Gln. To our knowledge, this variant has not been reported in the literature or in a large population database (gnomAD), indicating this variant is rare. Alternative variant at the same codon p.Pro142Arg was observed together with another variant in UBQLN2 gene in an individual with dystonia, dementia, swallowing difficulties, cognitive impairment and global brain atrophy, however the significance of this variant is unclear (Mariani et al. 2016. PubMed ID: 27400454). At this time, the clinical significance of this variant is uncertain due to the absence of conclusive functional and genetic evidence.

NM_013444.4(UBQLN2):c.425C>A (p.Pro142Gln)

Gene: UBQLN2 (ubiquilin 2; plus strand). Cytogenetic location: Xp11.21.
Variant type: single nucleotide variant.
Coding change: c.425C>A on transcript NM_013444.4 (MANE Select); coding-DNA position 425, C replaced by A.
Protein change: p.Pro142Gln; replaces proline 142 with glutamine.
Molecular consequence: missense variant.
Genome position (GRCh38, 1-based): chrX:56,564,298, C>A. VCF-style: chrX-56564298-C-A. GRCh37 (hg19) VCF-style: chrX-56590731-C-A.
Other names: short protein forms P142Q.
Identifiers: ClinVar variation 4537884 (VCV004537884.2).